The following is an entry in ClinVar:

NM_000255.4(MMUT):c.2015G>A (p.Ser672Asn)

Gene: MMUT (methylmalonyl-CoA mutase; minus strand). Cytogenetic location: 6p12.3.
Variant type: single nucleotide variant.
Coding change: c.2015G>A on transcript NM_000255.4 (MANE Select); coding-DNA position 2015, G replaced by A.
Protein change: p.Ser672Asn; replaces serine 672 with asparagine.
Molecular consequence: missense variant.
Genome position (GRCh38, 1-based): chr6:49,435,565, C>T on the plus strand (G>A on the coding strand, the complement: MMUT is on the minus strand). VCF-style: chr6-49435565-C-T. GRCh37 (hg19) VCF-style: chr6-49403278-C-T.
Other names: short protein forms S672N.
Identifiers: ClinVar variation 2196636 (VCV002196636.1), dbSNP rs770423282, ClinGen allele CA3846680.
Genomic context (GRCh38, chr6:49,435,565, plus strand): 5'-AGGGAGTTAAGTTCTTTGATGAGTTCAGGAACTAGGGTTTTATGACCAGCAGCGAGGGTG[C>T]TTATGCCCACAGCATGCACATCCGCATCCACAGCCTGCTGGGCCACTTCACGAGGAGTCT-3'
Protein context (NP_000246.2, residues 662-682): VDADVHAVGI[Ser672Asn]TLAAGHKTLV

ClinVar aggregate classification (germline): Uncertain significance (1 of 4 stars; one submission).

Allele frequency attached by ClinVar (database versions not stated): ExAC 0.00001; TOPMed 0.00001; gnomAD exomes 0.00002.

Submission:

Labcorp Genetics (formerly Invitae), Labcorp
Classification: Uncertain significance. Last evaluated: 2022-05-15. Review status: criteria provided, single submitter. Criteria: Invitae Variant Classification Sherloc (09022015). Collection method: clinical testing. Allele origin: germline.
Comment: This sequence change replaces serine, which is neutral and polar, with asparagine, which is neutral and polar, at codon 672 of the MUT protein (p.Ser672Asn). This variant is present in population databases (rs770423282, gnomAD 0.01%). This variant has not been reported in the literature in individuals affected with MUT-related conditions. Algorithms developed to predict the effect of missense changes on protein structure and function (SIFT, PolyPhen-2, Align-GVGD) all suggest that this variant is likely to be disruptive. In summary, the available evidence is currently insufficient to determine the role of this variant in disease. Therefore, it has been classified as a Variant of Uncertain Significance.